The following is an entry in ClinVar:

NM_001145715.3(KPNA7):c.1353T>G (p.Cys451Trp)

Gene: KPNA7 (karyopherin subunit alpha 7; minus strand). Cytogenetic location: 7q22.1.
Variant type: single nucleotide variant.
Coding change: c.1353T>G on transcript NM_001145715.3 (MANE Select); coding-DNA position 1353, T replaced by G.
Protein change: p.Cys451Trp; replaces cysteine 451 with tryptophan.
Molecular consequence: missense variant.
Genome position (GRCh38, 1-based): chr7:99,178,031, A>C on the plus strand (T>G on the coding strand, the complement: KPNA7 is on the minus strand). VCF-style: chr7-99178031-A-C. GRCh37 (hg19) VCF-style: chr7-98775654-A-C.
Other names: short protein forms C451W.
Identifiers: ClinVar variation 956889 (VCV000956889.8), dbSNP rs750134680, ClinGen allele CA4363102.

ClinVar aggregate classification (germline): Uncertain significance (1 of 4 stars; one submission).

Allele frequency attached by ClinVar (database versions not stated): ExAC below 0.00001; gnomAD exomes 0.00004 and 0.00019; gnomAD 0.00006; TOPMed 0.00006.
gnomAD v4.1: 262 of 1,551,520 alleles (0.017%); highest among the groups gnomAD compares: Non-Finnish European, 0.022%; no homozygotes.

Submission:

Labcorp Genetics (formerly Invitae), Labcorp
Classification: Uncertain significance. Last evaluated: 2024-08-28. Review status: criteria provided, single submitter. Criteria: Invitae Variant Classification Sherloc (09022015). Collection method: clinical testing. Allele origin: germline.
Comment: This sequence change replaces cysteine, which is neutral and slightly polar, with tryptophan, which is neutral and slightly polar, at codon 451 of the KPNA7 protein (p.Cys451Trp). This variant is present in population databases (rs750134680, gnomAD 0.01%). This variant has not been reported in the literature in individuals affected with KPNA7-related conditions. ClinVar contains an entry for this variant (Variation ID: 956889). Invitae Evidence Modeling of protein sequence and biophysical properties (such as structural, functional, and spatial information, amino acid conservation, physicochemical variation, residue mobility, and thermodynamic stability) indicates that this missense variant is expected to disrupt KPNA7 protein function with a positive predictive value of 80%. In summary, the available evidence is currently insufficient to determine the role of this variant in disease. Therefore, it has been classified as a Variant of Uncertain Significance.